The following is an entry in ClinVar:

NM_000051.4(ATM):c.2159G>C (p.Arg720Pro)

Gene: ATM (ATM serine/threonine kinase; plus strand). Cytogenetic location: 11q22.3.
Variant type: single nucleotide variant.
Coding change: c.2159G>C on transcript NM_000051.4 (MANE Select); coding-DNA position 2159, G replaced by C.
Protein change: p.Arg720Pro; replaces arginine 720 with proline.
Molecular consequence: missense variant.
Genome position (GRCh38, 1-based): chr11:108,256,249, G>C. VCF-style: chr11-108256249-G-C. GRCh37 (hg19) VCF-style: chr11-108126976-G-C.
Other names: c.2159G>C, p.Arg720Pro (NM_001351834.2); short protein forms R720P.
Identifiers: ClinVar variation 859358 (VCV000859358.12), dbSNP rs55830714, ClinGen allele CA382538759.

ClinVar aggregate classification (germline): Uncertain significance. Review status: criteria provided, multiple submitters, no conflicts (2 of 4 stars). 2 submissions from 2 submitters: Uncertain significance (2). Last evaluated 2022-10-21.

Conditions:
Ataxia-telangiectasia syndrome (AT). Also called: Ataxia telangiectasia (A-T); Cerebello-oculocutaneous telangiectasia; Immunodeficiency with ataxia telangiectasia; AT, COMPLEMENTATION GROUP C; ATAXIA-TELANGIECTASIA, COMPLEMENTATION GROUP A; ATAXIA-TELANGIECTASIA, FRESNO VARIANT. Identifiers: Orphanet 100, MedGen C0004135, MONDO:0008840, OMIM 208900.
Hereditary cancer-predisposing syndrome. Also called: Hereditary neoplastic syndrome; Tumor predisposition; Neoplastic Syndromes, Hereditary; Hereditary Cancer Syndrome. Identifiers: Orphanet 140162, MedGen C0027672, MeSH D009386, MONDO:0015356.

gnomAD v4.1: 1 of 1,609,600 alleles (0.000062%); highest among the groups gnomAD compares: Non-Finnish European, 0.000085%; no homozygotes.

Submissions (2):

Ambry Genetics
Classification: Uncertain significance for Hereditary cancer-predisposing syndrome. Last evaluated: 2022-10-21. Review status: criteria provided, single submitter. Criteria: Ambry Variant Classification Scheme 2023. Collection method: clinical testing. Allele origin: germline.
Comment: The p.R720P variant (also known as c.2159G>C), located in coding exon 13 of the ATM gene, results from a G to C substitution at nucleotide position 2159. The arginine at codon 720 is replaced by proline, an amino acid with dissimilar properties. This amino acid position is poorly conserved in available vertebrate species. In addition, this alteration is predicted to be tolerated by in silico analysis. Since supporting evidence is limited at this time, the clinical significance of this alteration remains unclear.

Labcorp Genetics (formerly Invitae), Labcorp
Classification: Uncertain significance for Ataxia-telangiectasia syndrome. Last evaluated: 2019-11-26. Review status: criteria provided, single submitter. Criteria: Invitae Variant Classification Sherloc (09022015). Collection method: clinical testing. Allele origin: germline.
Comment: In summary, the available evidence is currently insufficient to determine the role of this variant in disease. Therefore, it has been classified as a Variant of Uncertain Significance. Algorithms developed to predict the effect of missense changes on protein structure and function (SIFT, PolyPhen-2, Align-GVGD) all suggest that this variant is likely to be tolerated, but these predictions have not been confirmed by published functional studies and their clinical significance is uncertain. This variant has not been reported in the literature in individuals with ATM-related conditions. This variant is not present in population databases (ExAC no frequency). This sequence change replaces arginine with proline at codon 720 of the ATM protein (p.Arg720Pro). The arginine residue is weakly conserved and there is a moderate physicochemical difference between arginine and proline.